The following is an entry in ClinVar:

NM_001378454.1(ALMS1):c.8660T>C (p.Leu2887Pro)

Gene: ALMS1 (ALMS1 centrosome and basal body associated protein; plus strand). Cytogenetic location: 2p13.1.
Variant type: single nucleotide variant.
Coding change: c.8660T>C on transcript NM_001378454.1 (MANE Select); coding-DNA position 8660, T replaced by C.
Protein change: p.Leu2887Pro; replaces leucine 2887 with proline.
Molecular consequence: missense variant.
Genome position (GRCh38, 1-based): chr2:73,490,619, T>C. VCF-style: chr2-73490619-T-C. GRCh37 (hg19) VCF-style: chr2-73717746-T-C.
Other names: c.8663T>C, p.Leu2888Pro (NM_015120.4); short protein forms L2888P, L2887P.
Identifiers: ClinVar variation 2626183 (VCV002626183.2), dbSNP rs2466216947, ClinGen allele CA347269956.
Genomic context (GRCh38, chr2:73,490,619, plus strand): 5'-AGAAGAATGTAACTATAACTCCAGATCTTCCTTCTTGCATTTTTCTTGAACAACGAGAGC[T>C]CTTTGAACAAAGCAAAGCCCCACGTGCAGATGACCATGTGAGGAAACACCATTCTCCCTC-3'
Protein context (NP_001365383.1, residues 2877-2897): PSCIFLEQRE[Leu2887Pro]FEQSKAPRAD

ClinVar aggregate classification (germline): Uncertain significance (1 of 4 stars; one submission).

Conditions:
Cardiovascular phenotype. Identifiers: MedGen CN230736.

Submission:

Ambry Genetics
Classification: Uncertain significance for Cardiovascular phenotype. Last evaluated: 2023-08-01. Review status: criteria provided, single submitter. Criteria: Ambry Variant Classification Scheme 2023. Collection method: clinical testing. Allele origin: germline.
Comment: The p.L2888P variant (also known as c.8663T>C), located in coding exon 10 of the ALMS1 gene, results from a T to C substitution at nucleotide position 8663. The leucine at codon 2888 is replaced by proline, an amino acid with similar properties. This amino acid position is well conserved in available vertebrate species. In addition, this alteration is predicted to be tolerated by in silico analysis. Since supporting evidence is limited at this time, the clinical significance of this alteration remains unclear.